The following is an entry in ClinVar:

NM_001291303.3(FAT4):c.10762A>G (p.Thr3588Ala)

Gene: FAT4 (FAT atypical cadherin 4; plus strand). Cytogenetic location: 4q28.1.
Variant type: single nucleotide variant.
Coding change: c.10762A>G on transcript NM_001291303.3 (MANE Select); coding-DNA position 10762, A replaced by G.
Protein change: p.Thr3588Ala; replaces threonine 3588 with alanine.
Molecular consequence: missense variant.
Genome position (GRCh38, 1-based): chr4:125,451,772, A>G. VCF-style: chr4-125451772-A-G. GRCh37 (hg19) VCF-style: chr4-126372927-A-G.
Other names: c.10762A>G, p.Thr3588Ala (NM_001291285.3); c.10756A>G, p.Thr3586Ala (NM_024582.6); short protein forms T3586A, T3588A.
Identifiers: ClinVar variation 1505265 (VCV001505265.6), dbSNP rs1187751054, ClinGen allele CA358159684.

ClinVar aggregate classification (germline): Uncertain significance (1 of 4 stars; one submission).

Allele frequency attached by ClinVar (database versions not stated): gnomAD exomes below 0.00001.
gnomAD v4.1: 1 of 1,614,204 alleles (0.000062%); highest among the groups gnomAD compares: Admixed American, 0.0017%; no homozygotes.

Submission:

Labcorp Genetics (formerly Invitae), Labcorp
Classification: Uncertain significance. Last evaluated: 2021-08-06. Review status: criteria provided, single submitter. Criteria: Invitae Variant Classification Sherloc (09022015). Collection method: clinical testing. Allele origin: germline.
Comment: This sequence change replaces threonine with alanine at codon 3586 of the FAT4 protein (p.Thr3586Ala). The threonine residue is highly conserved and there is a small physicochemical difference between threonine and alanine. This variant is not present in population databases (ExAC no frequency). This variant has not been reported in the literature in individuals affected with FAT4-related conditions. Advanced modeling of protein sequence and biophysical properties (such as structural, functional, and spatial information, amino acid conservation, physicochemical variation, residue mobility, and thermodynamic stability) performed at Invitae indicates that this missense variant is not expected to disrupt FAT4 protein function. In summary, the available evidence is currently insufficient to determine the role of this variant in disease. Therefore, it has been classified as a Variant of Uncertain Significance.